The following is an entry in ClinVar:

NM_020831.6(MRTFA):c.967A>G (p.Ser323Gly)

Gene: MRTFA (myocardin related transcription factor A; minus strand). Cytogenetic location: 22q13.1.
Variant type: single nucleotide variant.
Coding change: c.967A>G on transcript NM_020831.6 (MANE Select); coding-DNA position 967, A replaced by G.
Protein change: p.Ser323Gly; replaces serine 323 with glycine.
Molecular consequence: missense variant.
Genome position (GRCh38, 1-based): chr22:40,421,061, T>C on the plus strand (A>G on the coding strand, the complement: MRTFA is on the minus strand). VCF-style: chr22-40421061-T-C. GRCh37 (hg19) VCF-style: chr22-40817065-T-C.
Other names: c.667A>G, p.Ser223Gly (NM_001282660.2); c.817A>G, p.Ser273Gly (NM_001282661.3); c.967A>G, p.Ser323Gly (NM_001282662.3); c.772A>G, p.Ser258Gly (NM_001318139.2); short protein forms S258G, S273G, S223G, S323G.
Identifiers: ClinVar variation 3651982 (VCV003651982.2).

ClinVar aggregate classification (germline): Uncertain significance (1 of 4 stars; one submission).

Submission:

Labcorp Genetics (formerly Invitae), Labcorp
Classification: Uncertain significance. Last evaluated: 2024-05-09. Review status: criteria provided, single submitter. Criteria: Invitae Variant Classification Sherloc (09022015). Collection method: clinical testing. Allele origin: germline.
Comment: This sequence change replaces serine, which is neutral and polar, with glycine, which is neutral and non-polar, at codon 223 of the MKL1 protein (p.Ser223Gly). This variant is not present in population databases (gnomAD no frequency). This variant has not been reported in the literature in individuals affected with MKL1-related conditions. An algorithm developed to predict the effect of missense changes on protein structure and function (PolyPhen-2) suggests that this variant is likely to be disruptive. In summary, the available evidence is currently insufficient to determine the role of this variant in disease. Therefore, it has been classified as a Variant of Uncertain Significance.